The following is an entry in ClinVar:

NM_001297.5(CNGB1):c.2605G>A (p.Val869Ile)

Gene: CNGB1 (cyclic nucleotide gated channel subunit beta 1; minus strand). Cytogenetic location: 16q21.
Variant type: single nucleotide variant.
Coding change: c.2605G>A on transcript NM_001297.5 (MANE Select); coding-DNA position 2605, G replaced by A.
Protein change: p.Val869Ile; replaces valine 869 with isoleucine.
Molecular consequence: missense variant.
Genome position (GRCh38, 1-based): chr16:57,904,763, C>T on the plus strand (G>A on the coding strand, the complement: CNGB1 is on the minus strand). VCF-style: chr16-57904763-C-T. GRCh37 (hg19) VCF-style: chr16-57938667-C-T.
Other names: c.2587G>A, p.Val863Ile (NM_001286130.2); short protein forms V863I, V869I.
Identifiers: ClinVar variation 838526 (VCV000838526.7), dbSNP rs61735107, ClinGen allele CA8082914.

ClinVar aggregate classification (germline): Uncertain significance. Review status: criteria provided, multiple submitters, no conflicts (2 of 4 stars). 2 submissions from 2 submitters: Uncertain significance (2). Last evaluated 2024-08-20.

Allele frequency attached by ClinVar (database versions not stated): gnomAD exomes 0.00008; ExAC 0.00012; gnomAD 0.00014; 1000 Genomes Project 30x 0.00016; ESP Exome Variant Server 0.00017; TOPMed 0.00017.
gnomAD v4.1: 84 of 1,614,150 alleles (0.0052%); highest among the groups gnomAD compares: African/African-American, 0.04%; no homozygotes.

Submissions (2):

Blueprint Genetics
Classification: Uncertain significance. Last evaluated: 2024-08-20. Review status: criteria provided, single submitter. Criteria: ACMG Guidelines, 2015. Collection method: clinical testing. Allele origin: germline.

Labcorp Genetics (formerly Invitae), Labcorp
Classification: Uncertain significance. Last evaluated: 2022-09-27. Review status: criteria provided, single submitter. Criteria: Invitae Variant Classification Sherloc (09022015). Collection method: clinical testing. Allele origin: germline.
Comment: This sequence change replaces valine, which is neutral and non-polar, with isoleucine, which is neutral and non-polar, at codon 869 of the CNGB1 protein (p.Val869Ile). This variant is present in population databases (rs61735107, gnomAD 0.05%). This variant has not been reported in the literature in individuals affected with CNGB1-related conditions. ClinVar contains an entry for this variant (Variation ID: 838526). Advanced modeling of protein sequence and biophysical properties (such as structural, functional, and spatial information, amino acid conservation, physicochemical variation, residue mobility, and thermodynamic stability) performed at Invitae indicates that this missense variant is not expected to disrupt CNGB1 protein function. In summary, the available evidence is currently insufficient to determine the role of this variant in disease. Therefore, it has been classified as a Variant of Uncertain Significance.